The following is an entry in ClinVar:

NM_001077365.2(POMT1):c.*529G>A

Gene: POMT1 (protein O-mannosyltransferase 1; plus strand). Cytogenetic location: 9q34.13.
Variant type: single nucleotide variant.
Coding change: c.*529G>A on transcript NM_001077365.2 (MANE Select); 529 bases downstream of the stop codon, G replaced by A.
Molecular consequence: 3 prime UTR variant. On other transcripts: non-coding transcript variant (10).
Genome position (GRCh38, 1-based): chr9:131,523,635, G>A. VCF-style: chr9-131523635-G-A. GRCh37 (hg19) VCF-style: chr9-134399022-G-A.
Other names: c.*529G>A (NM_001077366.2, NM_001136113.2, NM_001136114.2 and 15 more transcripts).
Identifiers: ClinVar variation 365296 (VCV000365296.5), dbSNP rs116005066, ClinGen allele CA10629175.

ClinVar aggregate classification (germline): Benign (1 of 4 stars; one submission).

Conditions:
Autosomal recessive limb-girdle muscular dystrophy type 2K. Also called: MUSCULAR DYSTROPHY-DYSTROGLYCANOPATHY (LIMB-GIRDLE), TYPE C, 1; MUSCULAR DYSTROPHY, LIMB-GIRDLE, TYPE 2K. Identifiers: Orphanet 86812, MedGen C1836373, MONDO:0012248, OMIM 609308.

Allele frequency attached by ClinVar (database versions not stated): gnomAD exomes 0.00326; gnomAD 0.01842 and 0.01991; TOPMed 0.02096; 1000 Genomes Project 0.02216; 1000 Genomes Project 30x 0.02264.

Submission:

Illumina Laboratory Services, Illumina
Classification: Benign for Autosomal recessive limb-girdle muscular dystrophy type 2K. Last evaluated: 2018-01-12. Review status: criteria provided, single submitter. Criteria: ICSL Variant Classification Criteria 13 December 2019. Collection method: clinical testing. Allele origin: germline.
Comment: This variant was observed in the ICSL laboratory as part of a predisposition screen in an ostensibly healthy population. It had not been previously curated by ICSL or reported in the Human Gene Mutation Database (HGMD: prior to June 1st, 2018), and was therefore a candidate for classification through an automated scoring system. Utilizing variant allele frequency, disease prevalence and penetrance estimates, and inheritance mode, an automated score was calculated to assess if this variant is too frequent to cause the disease. Based on the score and internal cut-off values, a variant classified as benign is not then subjected to further curation. The score for this variant resulted in a classification of benign for this disease.